The following is an entry in ClinVar:

NM_153603.4(COG7):c.1528C>A (p.Leu510Met)

Gene: COG7 (component of oligomeric golgi complex 7; minus strand). Cytogenetic location: 16p12.2.
Variant type: single nucleotide variant.
Coding change: c.1528C>A on transcript NM_153603.4 (MANE Select); coding-DNA position 1528, C replaced by A.
Protein change: p.Leu510Met; replaces leucine 510 with methionine.
Molecular consequence: missense variant.
Genome position (GRCh38, 1-based): chr16:23,406,210, G>T on the plus strand (C>A on the coding strand, the complement: COG7 is on the minus strand). VCF-style: chr16-23406210-G-T. GRCh37 (hg19) VCF-style: chr16-23417531-G-T.
Other names: short protein forms L510M.
Identifiers: ClinVar variation 2101310 (VCV002101310.4), dbSNP rs1439469224, ClinGen allele CA395118868.
Genomic context (GRCh38, chr16:23,406,210, plus strand): 5'-GCCATGGGTTCTTGGCAGAGTTCTTCTTGTCTGTCAAGATGCTCTCCTGAAAACCAGCCA[G>T]GCTCCGGGGGCTGCAGGAATCAGATAGATACTTCCCAGCTGTGGACAAAATCCTGTAATG-3'
Protein context (NP_705831.1, residues 500-520): YLSDSCSPRS[Leu510Met]AGFQESILTD

ClinVar aggregate classification (germline): Uncertain significance (1 of 4 stars; one submission).

Conditions:
COG7 congenital disorder of glycosylation (CDG2E). Also called: CONGENITAL DISORDER OF GLYCOSYLATION, TYPE IIe; CDG IIe. Identifiers: Orphanet 79333, MedGen C2931010, MONDO:0012118, OMIM 608779.

gnomAD v4.1: 1 of 1,614,066 alleles (0.000062%); highest among the groups gnomAD compares: Non-Finnish European, 0.000085%; no homozygotes.

Submission:

Labcorp Genetics (formerly Invitae), Labcorp
Classification: Uncertain significance for COG7 congenital disorder of glycosylation. Last evaluated: 2022-02-21. Review status: criteria provided, single submitter. Criteria: Invitae Variant Classification Sherloc (09022015). Collection method: clinical testing. Allele origin: germline.
Comment: This variant is not present in population databases (gnomAD no frequency). This sequence change replaces leucine, which is neutral and non-polar, with methionine, which is neutral and non-polar, at codon 510 of the COG7 protein (p.Leu510Met). This variant has not been reported in the literature in individuals affected with COG7-related conditions. Algorithms developed to predict the effect of missense changes on protein structure and function are either unavailable or do not agree on the potential impact of this missense change (SIFT: "Tolerated"; PolyPhen-2: "Probably Damaging"; Align-GVGD: "Class C0"). In summary, the available evidence is currently insufficient to determine the role of this variant in disease. Therefore, it has been classified as a Variant of Uncertain Significance.